The following is an entry in ClinVar:

ClinVar aggregate classification (germline): Benign/Likely benign. Review status: criteria provided, multiple submitters, no conflicts (2 of 4 stars). 12 submissions from 12 submitters: Benign (5); Likely benign (6). 1 of the submissions does not count toward it. Last evaluated 2026-03-01.

Conditions:
Tuberous sclerosis syndrome (TSC). Also called: Tuberous Sclerosis Complex; Tuberous sclerosis. Identifiers: Orphanet 805, MedGen C0041341, MONDO:0001734.
TSC2-related disorder. Also called: TSC2-Related Disorders; TSC2-related condition.
Tuberous sclerosis 2 (TSC2). Identifiers: Orphanet 805, MedGen C1860707, MONDO:0013199, OMIM 613254.
Hereditary cancer-predisposing syndrome. Also called: Tumor predisposition; Neoplastic Syndromes, Hereditary; Hereditary Cancer Syndrome; Hereditary neoplastic syndrome. Identifiers: Orphanet 140162, MedGen C0027672, MeSH D009386, MONDO:0015356.

Allele frequency attached by ClinVar (database versions not stated): TOPMed 0.00004; 1000 Genomes Project 30x 0.00016; 1000 Genomes Project 0.00020.
gnomAD v4.1: 42 of 1,612,694 alleles (0.0026%); highest among the groups gnomAD compares: Middle Eastern, 0.016%; no homozygotes.

Submissions (12):

CeGaT Center for Human Genetics Tuebingen
Classification: Likely benign. Last evaluated: 2026-03-01. Review status: criteria provided, single submitter. Criteria: CeGaT Center For Human Genetics Tuebingen Variant Classification Criteria Version 2. Collection method: clinical testing. Allele origin: germline. Affected: yes. Observed: 3 variant alleles.
Comment: TSC2: BP4, BP7

Labcorp Genetics (formerly Invitae), Labcorp
Classification: Benign for Tuberous sclerosis 2. Last evaluated: 2026-01-07. Review status: criteria provided, single submitter. Criteria: Invitae Variant Classification Sherloc (09022015). Collection method: clinical testing. Allele origin: germline.

Quest Diagnostics Nichols Institute San Juan Capistrano
Classification: Likely benign. Last evaluated: 2025-10-22. Review status: criteria provided, single submitter. Criteria: Quest Diagnostics criteria. Collection method: clinical testing. Allele origin: unknown.

Myriad Genetics, Inc.
Classification: Benign for Tuberous sclerosis 2. Last evaluated: 2025-06-02. Review status: criteria provided, single submitter. Criteria: Myriad Autosomal Dominant, Autosomal Recessive and X-Linked Classification Criteria (2023). Collection method: clinical testing. Allele origin: unknown.
Comment: This variant is considered benign. This variant is a silent/synonymous amino acid change and it is not expected to impact splicing.

Blueprint Genetics
Classification: Likely benign. Last evaluated: 2024-07-01. Review status: criteria provided, single submitter. Criteria: ACMG Guidelines, 2015. Collection method: clinical testing. Allele origin: germline.

All of Us Research Program, National Institutes of Health
Classification: Likely benign for Tuberous sclerosis syndrome. Last evaluated: 2024-02-05. Review status: criteria provided, single submitter. Criteria: ACMG Guidelines, 2015. Collection method: clinical testing. Allele origin: germline. Inheritance: Autosomal dominant inheritance. Observed: 5 variant alleles, 5 heterozygotes.
Comment: This study involves interpretation of variants in research participants for the purpose of population health screening. Participant phenotype was not available at the time of variant classification. Additional details can be found in publication PMID: 35346344, PMCID: PMC8962531

KCCC/NGS Laboratory, Kuwait Cancer Control Center
Classification: Benign for Tuberous sclerosis 2. Last evaluated: 2023-07-07. Review status: criteria provided, single submitter. Criteria: ACMG Guidelines, 2015. Collection method: clinical testing. Allele origin: germline. Affected: yes.

Color Diagnostics, LLC DBA Color Health
Classification: Likely benign for Tuberous sclerosis syndrome. Last evaluated: 2022-10-06. Review status: criteria provided, single submitter. Criteria: ACMG Guidelines, 2015. Collection method: clinical testing. Allele origin: germline.

Genome-Nilou Lab
Classification: Benign for Tuberous sclerosis 2. Last evaluated: 2021-11-07. Review status: criteria provided, single submitter. Criteria: ACMG Guidelines, 2015. Collection method: clinical testing. Allele origin: germline. Affected: no.

Ambry Genetics
Classification: Likely benign for Hereditary cancer-predisposing syndrome. Last evaluated: 2019-04-10. Review status: criteria provided, single submitter. Criteria: Ambry Variant Classification Scheme 2023. Collection method: clinical testing. Allele origin: germline.

GeneDx
Classification: Benign. Last evaluated: 2014-11-22. Review status: criteria provided, single submitter. Criteria: GeneDx Variant Classification (06012015). Collection method: clinical testing. Allele origin: germline. Affected: yes.
Comment: This variant is considered likely benign or benign based on one or more of the following criteria: it is a conservative change, it occurs at a poorly conserved position in the protein, it is predicted to be benign by multiple in silico algorithms, and/or has population frequency not consistent with disease.

PreventionGenetics, part of Exact Sciences
Classification: Likely benign for TSC2-related condition. Last evaluated: 2023-07-12. Review status: no assertion criteria provided. Collection method: clinical testing. Allele origin: germline. Not counted in ClinVar's aggregate classification.
Comment: This variant is classified as likely benign based on ACMG/AMP sequence variant interpretation guidelines (Richards et al. 2015 PMID: 25741868, with internal and published modifications).

NM_000548.5(TSC2):c.4107G>A (p.Arg1369=)

Gene: TSC2 (TSC complex subunit 2; plus strand). Cytogenetic location: 16p13.3.
Variant type: single nucleotide variant.
Coding change: c.4107G>A on transcript NM_000548.5 (MANE Select); coding-DNA position 4107, G replaced by A.
Protein change: p.Arg1369=; no amino-acid change (arginine 1369 retained).
Molecular consequence: synonymous variant.
Genome position (GRCh38, 1-based): chr16:2,084,329, G>A. VCF-style: chr16-2084329-G-A. GRCh37 (hg19) VCF-style: chr16-2134330-G-A.
Other names: p.R1369R:CGG>CGA; c.3906G>A, p.Arg1302= (NM_001077183.3); c.4038G>A, p.Arg1346= (NM_001114382.3); c.3798G>A, p.Arg1266= (NM_001318827.2); c.3762G>A, p.Arg1254= (NM_001318829.2); c.3375G>A, p.Arg1125= (NM_001318831.2); c.3939G>A, p.Arg1313= (NM_001318832.2); c.3909G>A, p.Arg1303= (NM_001363528.2); and 3 more.
Identifiers: ClinVar variation 207681 (VCV000207681.48), dbSNP rs201688447, ClinGen allele CA050462.